The following is an entry in ClinVar:

NM_001845.6(COL4A1):c.3620G>A (p.Gly1207Glu)

Gene: COL4A1 (collagen type IV alpha 1 chain; minus strand). Cytogenetic location: 13q34.
Variant type: single nucleotide variant.
Coding change: c.3620G>A on transcript NM_001845.6 (MANE Select); coding-DNA position 3620, G replaced by A.
Protein change: p.Gly1207Glu; replaces glycine 1207 with glutamic acid.
Molecular consequence: missense variant.
Genome position (GRCh38, 1-based): chr13:110,170,669, C>T on the plus strand (G>A on the coding strand, the complement: COL4A1 is on the minus strand). VCF-style: chr13-110170669-C-T. GRCh37 (hg19) VCF-style: chr13-110823016-C-T.
Other names: short protein forms G1207E.
Identifiers: ClinVar variation 1320505 (VCV001320505.2), dbSNP rs2139156207, ClinGen allele CA388662690.

ClinVar aggregate classification (germline): Pathogenic (1 of 4 stars; one submission).

Submission:

GeneDx
Classification: Pathogenic. Last evaluated: 2021-08-18. Review status: criteria provided, single submitter. Criteria: GeneDx Variant Classification Process June 2021. Collection method: clinical testing. Allele origin: germline. Affected: yes.
Comment: Affects a glycine residue in a Gly-X-Y motif in the triple helical region of the COL4A1 gene, where the majority of pathogenic missense variants occur, and is predicted to disrupt normal protein folding and function (Stenson et al., 2014); Not observed at significant frequency in large population cohorts (Lek et al., 2016); In silico analysis supports that this missense variant has a deleterious effect on protein structure/function; Has not been previously published as pathogenic or benign to our knowledge